The following is an entry in ClinVar:

ClinVar aggregate classification (germline): Uncertain significance. Review status: criteria provided, multiple submitters, no conflicts (2 of 4 stars). 3 submissions from 3 submitters: Uncertain significance (3). Last evaluated 2025-09-28.

Conditions:
Inborn genetic diseases. Identifiers: MedGen C0950123, MeSH D030342.
Autosomal recessive nonsyndromic hearing loss 66 (DFNB66). Also called: Deafness, autosomal recessive 66. Identifiers: Orphanet 90636, MedGen C1857750, MONDO:0012442, OMIM 610212.
Isolated neonatal sclerosing cholangitis (NSC). Also called: Sclerosing cholangitis, neonatal. Identifiers: Orphanet 480556, MedGen C4479344, MONDO:0018816, OMIM 617394.

Allele frequency attached by ClinVar (database versions not stated): ESP Exome Variant Server 0.00008; gnomAD exomes below 0.00001.
gnomAD v4.1: 25 of 1,614,176 alleles (0.0015%); highest among the groups gnomAD compares: African/African-American, 0.031%; no homozygotes.

Submissions (3):

Ambry Genetics
Classification: Uncertain significance for Inborn genetic diseases. Last evaluated: 2025-09-28. Review status: criteria provided, single submitter. Criteria: Ambry Variant Classification Scheme 2023. Collection method: clinical testing. Allele origin: germline.

GeneDx
Classification: Uncertain significance. Last evaluated: 2025-06-12. Review status: criteria provided, single submitter. Criteria: GeneDx Variant Classification Process June 2021. Collection method: clinical testing. Allele origin: germline. Affected: yes.
Comment: In silico analysis suggests that this missense variant does not alter protein structure/function; Has not been previously published as pathogenic or benign to our knowledge

Labcorp Genetics (formerly Invitae), Labcorp
Classification: Uncertain significance for Autosomal recessive nonsyndromic hearing loss 66; Isolated neonatal sclerosing cholangitis. Last evaluated: 2024-10-15. Review status: criteria provided, single submitter. Criteria: Invitae Variant Classification Sherloc (09022015). Collection method: clinical testing. Allele origin: germline.
Comment: This sequence change replaces glycine, which is neutral and non-polar, with valine, which is neutral and non-polar, at codon 407 of the DCDC2 protein (p.Gly407Val). This variant is present in population databases (rs149268081, gnomAD 0.03%). This variant has not been reported in the literature in individuals affected with DCDC2-related conditions. ClinVar contains an entry for this variant (Variation ID: 2139266). An algorithm developed to predict the effect of missense changes on protein structure and function outputs the following: PolyPhen-2: "Benign". The valine amino acid residue is found in multiple mammalian species, which suggests that this missense change does not adversely affect protein function. In summary, the available evidence is currently insufficient to determine the role of this variant in disease. Therefore, it has been classified as a Variant of Uncertain Significance.

NM_016356.5(DCDC2):c.1220G>T (p.Gly407Val)

Gene: DCDC2 (doublecortin domain containing 2; minus strand). Cytogenetic location: 6p22.3.
Variant type: single nucleotide variant.
Coding change: c.1220G>T on transcript NM_016356.5 (MANE Select); coding-DNA position 1220, G replaced by T.
Protein change: p.Gly407Val; replaces glycine 407 with valine.
Molecular consequence: missense variant.
Genome position (GRCh38, 1-based): chr6:24,178,436, C>A on the plus strand (G>T on the coding strand, the complement: DCDC2 is on the minus strand). VCF-style: chr6-24178436-C-A. GRCh37 (hg19) VCF-style: chr6-24178664-C-A.
Other names: c.1220G>T, p.Gly407Val (NM_001195610.2); c.1220G>T (NM_016356.4, NM_016356.3); short protein forms G407V.
Identifiers: ClinVar variation 2139266 (VCV002139266.5), dbSNP rs149268081, ClinGen allele CA3654482.